The following is an entry in ClinVar:

ClinVar aggregate classification (germline): Uncertain significance. Review status: criteria provided, multiple submitters, no conflicts (2 of 4 stars). 2 submissions from 2 submitters: Uncertain significance (2). Last evaluated 2025-08-20.

Conditions:
Intellectual developmental disorder, X-linked, syndromic 14. Also called: Syndromic X-linked intellectual disability 14. Identifiers: Orphanet 776, MedGen C1970822, MONDO:0010398, OMIM 300676.
Inborn genetic diseases. Identifiers: MedGen C0950123, MeSH D030342.

Allele frequency attached by ClinVar (database versions not stated): TOPMed below 0.00001; gnomAD 0.00001.
gnomAD v4.1: 2 of 1,190,509 alleles (0.00017%); highest among the groups gnomAD compares: Non-Finnish European, 0.00023%; no homozygotes.

Submissions (2):

Ambry Genetics
Classification: Uncertain significance for Inborn genetic diseases. Last evaluated: 2025-08-20. Review status: criteria provided, single submitter. Criteria: Ambry Variant Classification Scheme 2023. Collection method: clinical testing. Allele origin: germline.

Labcorp Genetics (formerly Invitae), Labcorp
Classification: Uncertain significance for Intellectual developmental disorder, X-linked, syndromic 14. Last evaluated: 2023-05-17. Review status: criteria provided, single submitter. Criteria: Invitae Variant Classification Sherloc (09022015). Collection method: clinical testing. Allele origin: germline.
Comment: In summary, the available evidence is currently insufficient to determine the role of this variant in disease. Therefore, it has been classified as a Variant of Uncertain Significance. Advanced modeling of protein sequence and biophysical properties (such as structural, functional, and spatial information, amino acid conservation, physicochemical variation, residue mobility, and thermodynamic stability) performed at Invitae indicates that this missense variant is not expected to disrupt UPF3B protein function. This variant has not been reported in the literature in individuals affected with UPF3B-related conditions. This variant is not present in population databases (gnomAD no frequency). This sequence change replaces glutamic acid, which is acidic and polar, with alanine, which is neutral and non-polar, at codon 165 of the UPF3B protein (p.Glu165Ala).

NM_080632.3(UPF3B):c.494A>C (p.Glu165Ala)

Gene: UPF3B (UPF3B regulator of nonsense mediated mRNA decay; minus strand). Cytogenetic location: Xq24.
Variant type: single nucleotide variant.
Coding change: c.494A>C on transcript NM_080632.3 (MANE Select); coding-DNA position 494, A replaced by C.
Protein change: p.Glu165Ala; replaces glutamic acid 165 with alanine.
Molecular consequence: missense variant.
Genome position (GRCh38, 1-based): chrX:119,843,277, T>G on the plus strand (A>C on the coding strand, the complement: UPF3B is on the minus strand). VCF-style: chrX-119843277-T-G. GRCh37 (hg19) VCF-style: chrX-118977240-T-G.
Other names: c.494A>C, p.Glu165Ala (NM_023010.4); c.494A>C (NM_080632.2); short protein forms E165A.
Identifiers: ClinVar variation 3019067 (VCV003019067.4), dbSNP rs1233013683, ClinGen allele CA414184883.